The following is an entry in ClinVar:

ClinVar aggregate classification (germline): Likely pathogenic (1 of 4 stars; one submission).

Conditions:
L-2-hydroxyglutaric aciduria (L2HGA). Identifiers: Orphanet 79314, MedGen C1855995, MONDO:0009370, OMIM 236792, HP:0040144.

gnomAD v4.1: 10 of 1,488,916 alleles (0.00067%); highest among the groups gnomAD compares: Non-Finnish European, 0.00084%; no homozygotes.

Submission:

Labcorp Genetics (formerly Invitae), Labcorp
Classification: Likely pathogenic for L-2-hydroxyglutaric aciduria. Last evaluated: 2023-08-04. Review status: criteria provided, single submitter. Criteria: Invitae Variant Classification Sherloc (09022015). Collection method: clinical testing. Allele origin: germline.
Comment: In summary, the currently available evidence indicates that the variant is pathogenic, but additional data are needed to prove that conclusively. Therefore, this variant has been classified as Likely Pathogenic. Variants that disrupt the consensus splice site are a relatively common cause of aberrant splicing (PMID: 17576681, 9536098). Algorithms developed to predict the effect of sequence changes on RNA splicing suggest that this variant may disrupt the consensus splice site. ClinVar contains an entry for this variant (Variation ID: 1007053). This variant has been observed in individual(s) with clinical features of L-2-hydroxyglutaric aciduria (PMID: 33061758; Invitae). In at least one individual the data is consistent with being in trans (on the opposite chromosome) from a pathogenic variant. This variant is not present in population databases (gnomAD no frequency). This sequence change affects codon 246 of the L2HGDH mRNA. It is a 'silent' change, meaning that it does not change the encoded amino acid sequence of the L2HGDH protein. This variant also falls at the last nucleotide of exon 6, which is part of the consensus splice site for this exon.

Literature cited by the submitters: PubMed 17576681; PubMed 9536098; PubMed 33061758.

NM_024884.3(L2HGDH):c.738G>A (p.Lys246=)

Gene: L2HGDH (L-2-hydroxyglutarate dehydrogenase; minus strand). Cytogenetic location: 14q21.3.
Variant type: single nucleotide variant.
Coding change: c.738G>A on transcript NM_024884.3 (MANE Select); coding-DNA position 738, G replaced by A.
Protein change: p.Lys246=; no amino-acid change (lysine 246 retained).
Molecular consequence: synonymous variant.
Genome position (GRCh38, 1-based): chr14:50,278,520, C>T on the plus strand (G>A on the coding strand, the complement: L2HGDH is on the minus strand). VCF-style: chr14-50278520-C-T. GRCh37 (hg19) VCF-style: chr14-50745238-C-T.
Identifiers: ClinVar variation 1007053 (VCV001007053.6), dbSNP rs771091083, ClinGen allele CA486175905.